The following is an entry in ClinVar:

ClinVar aggregate classification (germline): Uncertain significance (1 of 4 stars; one submission).

Conditions:
Spermatogenic failure 18. Identifiers: MedGen C4539783, MONDO:0054615, OMIM 617576.
Ciliary dyskinesia, primary, 37 (CILD37). Also called: CILIARY DYSKINESIA, PRIMARY, 37, WITH OR WITHOUT SITUS INVERSUS. Identifiers: MedGen C4539798, MONDO:0033204, OMIM 617577.

Allele frequency attached by ClinVar (database versions not stated): TOPMed 0.00002.
gnomAD v4.1: 11 of 1,613,348 alleles (0.00068%); highest among the groups gnomAD compares: East Asian, 0.013%; no homozygotes.

Submission:

Labcorp Genetics (formerly Invitae), Labcorp
Classification: Uncertain significance for Ciliary dyskinesia, primary, 37; Spermatogenic failure 18. Last evaluated: 2020-08-27. Review status: criteria provided, single submitter. Criteria: Invitae Variant Classification Sherloc (09022015). Collection method: clinical testing. Allele origin: germline.
Comment: This sequence change replaces arginine with leucine at codon 1087 of the DNAH1 protein (p.Arg1087Leu). The arginine residue is moderately conserved and there is a moderate physicochemical difference between arginine and leucine. This variant is present in population databases (rs145381093, ExAC 0.03%). This variant has not been reported in the literature in individuals with DNAH1-related conditions. Algorithms developed to predict the effect of missense changes on protein structure and function are either unavailable or do not agree on the potential impact of this missense change (SIFT: Deleterious; PolyPhen-2: Benign; Align-GVGD: Class C0). In summary, the available evidence is currently insufficient to determine the role of this variant in disease. Therefore, it has been classified as a Variant of Uncertain Significance.

NM_015512.5(DNAH1):c.3260G>T (p.Arg1087Leu)

Gene: DNAH1 (dynein axonemal heavy chain 1; plus strand). Cytogenetic location: 3p21.1.
Variant type: single nucleotide variant.
Coding change: c.3260G>T on transcript NM_015512.5 (MANE Select); coding-DNA position 3260, G replaced by T.
Protein change: p.Arg1087Leu; replaces arginine 1087 with leucine.
Molecular consequence: missense variant.
Genome position (GRCh38, 1-based): chr3:52,353,413, G>T. VCF-style: chr3-52353413-G-T. GRCh37 (hg19) VCF-style: chr3-52387429-G-T.
Other names: short protein forms R1087L.
Identifiers: ClinVar variation 1006081 (VCV001006081.1), dbSNP rs145381093, ClinGen allele CA2433538.